The following is an entry in ClinVar:

NM_018979.4(WNK1):c.4615G>A (p.Gly1539Arg)

Gene: WNK1 (WNK lysine deficient protein kinase 1; plus strand). Cytogenetic location: 12p13.33.
Variant type: single nucleotide variant.
Coding change: c.4615G>A on transcript NM_018979.4 (MANE Select); coding-DNA position 4615, G replaced by A.
Protein change: p.Gly1539Arg; replaces glycine 1539 with arginine.
Molecular consequence: missense variant.
Genome position (GRCh38, 1-based): chr12:885,419, G>A. VCF-style: chr12-885419-G-A. GRCh37 (hg19) VCF-style: chr12-994585-G-A.
Other names: c.5395G>A, p.Gly1799Arg (NM_001184985.2); c.3874G>A, p.Gly1292Arg (NM_014823.3); c.5371G>A, p.Gly1791Arg (NM_213655.5); short protein forms G1791R, G1292R, G1539R, G1799R.
Identifiers: ClinVar variation 942535 (VCV000942535.7), dbSNP rs762943123, ClinGen allele CA6383007.
Genomic context (GRCh38, chr12:885,419, plus strand): 5'-GCTGAAACCGTGGTAGTTAGCGCACACTCACTAGATAAGACATCTCATAGCAGTACAACT[G>A]GATTGGCTTTCTCCCTCTCTGCACCATCTTCCTCTTCCTCTCCTGGAGCAGGAGTGTCTA-3'
Protein context (NP_061852.3, residues 1529-1549): LDKTSHSSTT[Gly1539Arg]LAFSLSAPSS

ClinVar aggregate classification (germline): Uncertain significance (1 of 4 stars; one submission).

Conditions:
Neuropathy, hereditary sensory and autonomic, type 2A (HSAN2A). Also called: MORVAN DISEASE; NEUROPATHY, CONGENITAL SENSORY; NEUROPATHY, HEREDITARY SENSORY RADICULAR, AUTOSOMAL RECESSIVE; NEUROPATHY, HEREDITARY SENSORY, TYPE IIA; NEUROPATHY, PROGRESSIVE SENSORY, OF CHILDREN; WNK1-Related HSAN2 (HSAN2A). Identifiers: Orphanet 970, MedGen C2752089, MONDO:0024309, OMIM 201300.
Pseudohypoaldosteronism type 2C (PHA2C). Also called: Pseudohypoaldosteronism Type IIC. Identifiers: Orphanet 757, Orphanet 88940, MedGen C1840391, MONDO:0013778, OMIM 614492.

Allele frequency attached by ClinVar (database versions not stated): gnomAD 0.00001; gnomAD exomes 0.00001; ExAC 0.00002; TOPMed 0.00003.
gnomAD v4.1: 15 of 1,613,550 alleles (0.00093%); highest among the groups gnomAD compares: Admixed American, 0.01%; no homozygotes.

Submission:

Labcorp Genetics (formerly Invitae), Labcorp
Classification: Uncertain significance for Neuropathy, hereditary sensory and autonomic, type 2A; Pseudohypoaldosteronism type 2C. Last evaluated: 2022-08-21. Review status: criteria provided, single submitter. Criteria: Invitae Variant Classification Sherloc (09022015). Collection method: clinical testing. Allele origin: germline.
Comment: This sequence change replaces glycine, which is neutral and non-polar, with arginine, which is basic and polar, at codon 1791 of the WNK1 protein (p.Gly1791Arg). In summary, the available evidence is currently insufficient to determine the role of this variant in disease. Therefore, it has been classified as a Variant of Uncertain Significance. Advanced modeling of protein sequence and biophysical properties (such as structural, functional, and spatial information, amino acid conservation, physicochemical variation, residue mobility, and thermodynamic stability) performed at Invitae indicates that this missense variant is not expected to disrupt WNK1 protein function. ClinVar contains an entry for this variant (Variation ID: 942535). This variant has not been reported in the literature in individuals affected with WNK1-related conditions. This variant is present in population databases (rs762943123, gnomAD 0.009%).